The following is an entry in ClinVar:

ClinVar aggregate classification (germline): Uncertain significance (1 of 4 stars; one submission).

Conditions:
Early-infantile DEE. Also called: Early infantile epileptic encephalopathy with suppression bursts; Ohtahara syndrome; Early infantile epileptic encephalopathy. Identifiers: Orphanet 1934, MedGen C0393706, MONDO:0800491.

gnomAD v4.1: 1 of 1,614,082 alleles (0.000062%); highest among the groups gnomAD compares: Non-Finnish European, 0.000085%; no homozygotes.

Submission:

Labcorp Genetics (formerly Invitae), Labcorp
Classification: Uncertain significance for Early-infantile DEE. Last evaluated: 2021-05-30. Review status: criteria provided, single submitter. Criteria: Invitae Variant Classification Sherloc (09022015). Collection method: clinical testing. Allele origin: germline.
Comment: Algorithms developed to predict the effect of missense changes on protein structure and function (SIFT, PolyPhen-2, Align-GVGD) all suggest that this variant is likely to be disruptive, but these predictions have not been confirmed by published functional studies and their clinical significance is uncertain. This sequence change replaces arginine with tryptophan at codon 1813 of the SPTAN1 protein (p.Arg1813Trp). The arginine residue is highly conserved and there is a moderate physicochemical difference between arginine and tryptophan. This variant is not present in population databases (ExAC no frequency). This variant has not been reported in the literature in individuals with SPTAN1-related conditions. In summary, the available evidence is currently insufficient to determine the role of this variant in disease. Therefore, it has been classified as a Variant of Uncertain Significance.

NM_001130438.3(SPTAN1):c.5437C>T (p.Arg1813Trp)

Gene: SPTAN1 (spectrin alpha, non-erythrocytic 1; plus strand). Cytogenetic location: 9q34.11.
Variant type: single nucleotide variant.
Coding change: c.5437C>T on transcript NM_001130438.3 (MANE Select); coding-DNA position 5437, C replaced by T.
Protein change: p.Arg1813Trp; replaces arginine 1813 with tryptophan.
Molecular consequence: missense variant.
Genome position (GRCh38, 1-based): chr9:128,617,719, C>T. VCF-style: chr9-128617719-C-T. GRCh37 (hg19) VCF-style: chr9-131379998-C-T.
Other names: c.5362C>T, p.Arg1788Trp (NM_001195532.2); c.5437C>T, p.Arg1813Trp (NM_001363759.2, NM_001375310.1, NM_001375311.2 and 1 more transcripts); c.5377C>T, p.Arg1793Trp (NM_001363765.2, NM_001375314.2); c.5473C>T, p.Arg1825Trp (NM_001375312.2, NM_001375318.1); c.5422C>T, p.Arg1808Trp (NM_003127.4); short protein forms R1808W, R1788W, R1793W, R1813W, R1825W.
Identifiers: ClinVar variation 1357372 (VCV001357372.9), dbSNP rs3750333, ClinGen allele CA375076321.
Genomic context (GRCh38, chr9:128,617,719, plus strand): 5'-GGCTCAGAGGACTACGGCCGGGACCTAACCGGCGTGCAGAACCTGAGGAAGAAGCACAAG[C>T]GGCTGGAAGCAGAACTGGCTGCGCATGAGCCGGCTATTCAGGTAAGGAGGCCGCCTTCTG-3'
Protein context (NP_001123910.1, residues 1803-1823): GVQNLRKKHK[Arg1813Trp]LEAELAAHEP